The following is an entry in ClinVar:

ClinVar aggregate classification (germline): Uncertain significance (1 of 4 stars; one submission).

Conditions:
Familial isolated arrhythmogenic right ventricular dysplasia. Identifiers: Orphanet 217656, MedGen C4274968, MONDO:0016342.

Submission:

All of Us Research Program, National Institutes of Health
Classification: Uncertain significance for Familial isolated arrhythmogenic right ventricular dysplasia. Last evaluated: 2023-10-06. Review status: criteria provided, single submitter. Criteria: ACMG Guidelines, 2015. Collection method: clinical testing. Allele origin: germline. Inheritance: Autosomal dominant inheritance. Observed: 1 variant allele, 1 heterozygote.
Comment: This missense variant replaces lysine with glutamic acid at codon 777 of the DSC2 protein. Computational prediction suggests that this variant may not impact protein structure and function (internally defined REVEL score threshold <= 0.5, PMID: 27666373). To our knowledge, functional studies have not been reported for this variant. This variant has not been reported in individuals affected with DSC2-related disorders in the literature. This variant has not been identified in the general population by the Genome Aggregation Database (gnomAD). The available evidence is insufficient to determine the role of this variant in disease conclusively. Therefore, this variant is classified as a Variant of Uncertain Significance.

This study involves interpretation of variants in research participants for the purpose of population health screening. Participant phenotype was not available at the time of variant classification. Additional details can be found in publication PMID: 35346344, PMCID: PMC8962531

NM_024422.6(DSC2):c.2329A>G (p.Lys777Glu)

Gene: DSC2 (desmocollin 2; minus strand). Cytogenetic location: 18q12.1.
Variant type: single nucleotide variant.
Coding change: c.2329A>G on transcript NM_024422.6 (MANE Select); coding-DNA position 2329, A replaced by G.
Protein change: p.Lys777Glu; replaces lysine 777 with glutamic acid.
Molecular consequence: missense variant.
Genome position (GRCh38, 1-based): chr18:31,069,073, T>C on the plus strand (A>G on the coding strand, the complement: DSC2 is on the minus strand). VCF-style: chr18-31069073-T-C. GRCh37 (hg19) VCF-style: chr18-28649039-T-C.
Other names: c.1900A>G, p.Lys634Glu (NM_001406506.1, NM_001406507.1); c.2329A>G, p.Lys777Glu (NM_004949.5); short protein forms K634E, K777E.
Identifiers: ClinVar variation 3073857 (VCV003073857.1), dbSNP rs2510938037, ClinGen allele CA402111840.